The following is an entry in ClinVar:

ClinVar aggregate classification (germline): Uncertain significance (1 of 4 stars; one submission).

Submission:

Labcorp Genetics (formerly Invitae), Labcorp
Classification: Uncertain significance. Last evaluated: 2022-03-03. Review status: criteria provided, single submitter. Criteria: Invitae Variant Classification Sherloc (09022015). Collection method: clinical testing. Allele origin: germline.
Comment: This sequence change replaces proline, which is neutral and non-polar, with serine, which is neutral and polar, at codon 841 of the LEMD3 protein (p.Pro841Ser). This variant is not present in population databases (gnomAD no frequency). In summary, the available evidence is currently insufficient to determine the role of this variant in disease. Therefore, it has been classified as a Variant of Uncertain Significance. Algorithms developed to predict the effect of missense changes on protein structure and function are either unavailable or do not agree on the potential impact of this missense change (SIFT: "Tolerated"; PolyPhen-2: "Possibly Damaging"; Align-GVGD: "Class C0"). ClinVar contains an entry for this variant (Variation ID: 1039794). This variant has not been reported in the literature in individuals affected with LEMD3-related conditions.

NM_014319.5(LEMD3):c.2521C>T (p.Pro841Ser)

Gene: LEMD3 (LEM domain containing 3; plus strand). Cytogenetic location: 12q14.3.
Variant type: single nucleotide variant.
Coding change: c.2521C>T on transcript NM_014319.5 (MANE Select); coding-DNA position 2521, C replaced by T.
Protein change: p.Pro841Ser; replaces proline 841 with serine.
Molecular consequence: missense variant.
Genome position (GRCh38, 1-based): chr12:65,245,888, C>T. VCF-style: chr12-65245888-C-T. GRCh37 (hg19) VCF-style: chr12-65639668-C-T.
Other names: c.2518C>T, p.Pro840Ser (NM_001167614.2); short protein forms P841S, P840S.
Identifiers: ClinVar variation 1039794 (VCV001039794.8), dbSNP rs1871090710, ClinGen allele CA385675973.